The following is an entry in ClinVar:

NM_002691.4(POLD1):c.3293G>T (p.Arg1098Leu)

Gene: POLD1 (DNA polymerase delta 1, catalytic subunit; plus strand). Cytogenetic location: 19q13.33.
Variant type: single nucleotide variant.
Coding change: c.3293G>T on transcript NM_002691.4 (MANE Select); coding-DNA position 3293, G replaced by T.
Protein change: p.Arg1098Leu; replaces arginine 1098 with leucine.
Molecular consequence: missense variant. On other transcripts: non-coding transcript variant (1).
Genome position (GRCh38, 1-based): chr19:50,417,916, G>T. VCF-style: chr19-50417916-G-T. GRCh37 (hg19) VCF-style: chr19-50921173-G-T.
Other names: c.3293G>T, p.Arg1098Leu (NM_001256849.1); c.3371G>T, p.Arg1124Leu (NM_001308632.1); short protein forms R1098L, R1124L.
Identifiers: ClinVar variation 239341 (VCV000239341.19), dbSNP rs878854552, ClinGen allele CA10583861.

ClinVar aggregate classification (germline): Uncertain significance. Review status: criteria provided, multiple submitters, no conflicts (2 of 4 stars). 6 submissions from 6 submitters: Uncertain significance (6). Last evaluated 2025-10-16.

Conditions:
Hereditary cancer-predisposing syndrome. Also called: Hereditary Cancer Syndrome; Neoplastic Syndromes, Hereditary; Hereditary neoplastic syndrome; Tumor predisposition. Identifiers: Orphanet 140162, MedGen C0027672, MeSH D009386, MONDO:0015356.
POLD1-related polyposis and colorectal cancer syndrome (CRCS10). Also called: COLORECTAL CANCER, SUSCEPTIBILITY TO, ON CHROMOSOME 19q; Colorectal cancer 10; Colorectal cancer, susceptibility to, 10. Identifiers: Orphanet 220460, MedGen C2675481, MONDO:0012953, OMIM 612591.
Familial colorectal cancer. Identifiers: MedGen CN280943, MONDO:0023113. Disease mechanism: loss of function.

Allele frequency attached by ClinVar (database versions not stated): TOPMed 0.00001.
gnomAD v4.1: 3 of 1,611,002 alleles (0.00019%); highest among the groups gnomAD compares: Admixed American, 0.0033%; no homozygotes.

Submissions (6):

Labcorp Genetics (formerly Invitae), Labcorp
Classification: Uncertain significance for POLD1-related polyposis and colorectal cancer syndrome. Last evaluated: 2025-10-16. Review status: criteria provided, single submitter. Criteria: Invitae Variant Classification Sherloc (09022015). Collection method: clinical testing. Allele origin: germline.
Comment: This sequence change replaces arginine, which is basic and polar, with leucine, which is neutral and non-polar, at codon 1098 of the POLD1 protein (p.Arg1098Leu). This variant is not present in population databases (gnomAD no frequency). This variant has not been reported in the literature in individuals affected with POLD1-related conditions. ClinVar contains an entry for this variant (Variation ID: 239341). Invitae Evidence Modeling of protein sequence and biophysical properties (such as structural, functional, and spatial information, amino acid conservation, physicochemical variation, residue mobility, and thermodynamic stability) has been performed for this missense variant. However, the output from this modeling did not meet the statistical confidence thresholds required to predict the impact of this variant on POLD1 protein function. In summary, the available evidence is currently insufficient to determine the role of this variant in disease. Therefore, it has been classified as a Variant of Uncertain Significance.

GeneDx
Classification: Uncertain significance. Last evaluated: 2025-05-12. Review status: criteria provided, single submitter. Criteria: GeneDx Variant Classification Process June 2021. Collection method: clinical testing. Allele origin: germline. Affected: yes.
Comment: Not observed at significant frequency in large population cohorts (gnomAD); In silico analysis supports that this missense variant has a deleterious effect on protein structure/function; Has not been previously published as pathogenic or benign to our knowledge; This variant is associated with the following publications: (PMID: 31034466)

Ambry Genetics
Classification: Uncertain significance for Hereditary cancer-predisposing syndrome. Last evaluated: 2024-06-06. Review status: criteria provided, single submitter. Criteria: Ambry Variant Classification Scheme 2023. Collection method: clinical testing. Allele origin: germline.
Comment: The p.R1098L variant (also known as c.3293G>T), located in coding exon 26 of the POLD1 gene, results from a G to T substitution at nucleotide position 3293. The arginine at codon 1098 is replaced by leucine, an amino acid with dissimilar properties. This amino acid position is conserved. In addition, this alteration is predicted to be tolerated by in silico analysis. Since supporting evidence is limited at this time, the clinical significance of this alteration remains unclear.

St. Jude Molecular Pathology, St. Jude Children's Research Hospital
Classification: Uncertain significance for POLD1-related polyposis and colorectal cancer syndrome. Last evaluated: 2023-08-17. Review status: criteria provided, single submitter. Criteria: St. Jude Assertion Criteria 2020. Collection method: clinical testing. Allele origin: germline.
Comment: The POLD1 c.3293G>T (p.Arg1098Leu) missense change is absent in gnomAD v2.1.1. The in silico tool REVEL predicts a benign effect on protein function, but to our knowledge this prediction has not been confirmed by functional studies. This variant was reported in tumor(s) with <10 mutations/Mb (PMID: 29056344). To our knowledge, this variant has not been reported in the literature in individuals with POLD1-related disease. In summary, the evidence currently available is insufficient to determine the clinical significance of this variant. It has therefore been classified as of uncertain significance.

Mendelics
Classification: Uncertain significance for Familial colorectal cancer. Last evaluated: 2018-07-02. Review status: criteria provided, single submitter. Criteria: Mendelics Assertion Criteria 2017. Collection method: clinical testing. Allele origin: unknown.

Quest Diagnostics Nichols Institute San Juan Capistrano
Classification: Uncertain significance. Last evaluated: 2017-09-13. Review status: criteria provided, single submitter. Criteria: Quest Diagnostics criteria. Collection method: clinical testing. Allele origin: germline.